The following is an entry in ClinVar:

ClinVar aggregate classification (germline): Conflicting classifications of pathogenicity. Review status: criteria provided, conflicting classifications (1 of 4 stars). 4 submissions from 4 submitters: Pathogenic (1); Uncertain significance (3). Last evaluated 2025-10-13.

Conditions:
Hajdu-Cheney syndrome (HJCYS). Also called: Acroosteolysis dominant type; ACROOSTEOLYSIS WITH OSTEOPOROSIS AND CHANGES IN SKULL AND MANDIBLE; SERPENTINE FIBULA-POLYCYSTIC KIDNEY SYNDROME. Identifiers: Orphanet 955, MedGen C0917715, MONDO:0007057, OMIM 102500.
Inborn genetic diseases. Identifiers: MedGen C0950123, MeSH D030342.
Alagille syndrome due to a NOTCH2 point mutation. Also called: Alagille syndrome 2. Identifiers: Orphanet 261629, Orphanet 52, MedGen C1857761, MONDO:0012439, OMIM 610205.

Allele frequency attached by ClinVar (database versions not stated): gnomAD exomes below 0.00001; gnomAD 0.00001; TOPMed 0.00004.
gnomAD v4.1: 4 of 1,613,946 alleles (0.00025%); highest among the groups gnomAD compares: African/African-American, 0.0027%; no homozygotes.

Submissions (4):

Labcorp Genetics (formerly Invitae), Labcorp
Classification: Uncertain significance for Hajdu-Cheney syndrome. Last evaluated: 2025-10-13. Review status: criteria provided, single submitter. Criteria: Invitae Variant Classification Sherloc (09022015). Collection method: clinical testing. Allele origin: germline.
Comment: This sequence change replaces histidine, which is basic and polar, with arginine, which is basic and polar, at codon 983 of the NOTCH2 protein (p.His983Arg). This variant is present in population databases (no rsID available, gnomAD 0.007%). This variant has not been reported in the literature in individuals affected with NOTCH2-related conditions. ClinVar contains an entry for this variant (Variation ID: 1374353). Invitae Evidence Modeling of protein sequence and biophysical properties (such as structural, functional, and spatial information, amino acid conservation, physicochemical variation, residue mobility, and thermodynamic stability) indicates that this missense variant is not expected to disrupt NOTCH2 protein function with a negative predictive value of 80%. In summary, the available evidence is currently insufficient to determine the role of this variant in disease. Therefore, it has been classified as a Variant of Uncertain Significance.

Genesolutions, Medical Genetics Institutes, Ho Chi Minh City, Vietnam
Classification: Pathogenic for Hajdu-Cheney syndrome. Last evaluated: 2025-09-24. Review status: criteria provided, single submitter. Criteria: ACMG Guidelines, 2015. Collection method: clinical testing. Allele origin: germline. Affected: yes.

Ambry Genetics
Classification: Uncertain significance for Inborn genetic diseases. Last evaluated: 2024-12-21. Review status: criteria provided, single submitter. Criteria: Ambry Variant Classification Scheme 2023. Collection method: clinical testing. Allele origin: germline.

Fulgent Genetics
Classification: Uncertain significance for Hajdu-Cheney syndrome; Alagille syndrome due to a NOTCH2 point mutation. Last evaluated: 2021-12-28. Review status: criteria provided, single submitter. Criteria: ACMG Guidelines, 2015. Collection method: clinical testing. Allele origin: unknown.

NM_024408.4(NOTCH2):c.2948A>G (p.His983Arg)

Gene: NOTCH2 (notch receptor 2; minus strand). Cytogenetic location: 1p12.
Variant type: single nucleotide variant.
Coding change: c.2948A>G on transcript NM_024408.4 (MANE Select); coding-DNA position 2948, A replaced by G.
Protein change: p.His983Arg; replaces histidine 983 with arginine.
Molecular consequence: missense variant.
Genome position (GRCh38, 1-based): chr1:119,941,559, T>C on the plus strand (A>G on the coding strand, the complement: NOTCH2 is on the minus strand). VCF-style: chr1-119941559-T-C. GRCh37 (hg19) VCF-style: chr1-120484182-T-C.
Other names: c.2948A>G, p.His983Arg (NM_001200001.2); c.2948A>G (NM_024408.3); short protein forms H983R.
Identifiers: ClinVar variation 1374353 (VCV001374353.8), dbSNP rs1403687128, ClinGen allele CA341855446.
Genomic context (GRCh38, chr1:119,941,559, plus strand): 5'-CTGATGCCCGAGGGACTGGTTGCTCACCTCTCAGTGCACTCATTGATGTTGTTCTCACAA[T>C]GGACTCCATCAAATCCTGCCTGGCACTTGCAAGTGTAACTGTTGACGTAGTCAGAGCAGG-3'
Protein context (NP_077719.2, residues 973-993): CKCQAGFDGV[His983Arg]CENNINECTE